The following is an entry in ClinVar:

NM_203475.3(PORCN):c.720-1G>C

Gene: PORCN (porcupine O-acyltransferase; plus strand). Cytogenetic location: Xp11.23.
Variant type: single nucleotide variant.
Coding change: c.720-1G>C on transcript NM_203475.3 (MANE Select); the canonical splice acceptor site of the intron before coding-DNA position 720, G replaced by C.
Molecular consequence: splice acceptor variant.
Genome position (GRCh38, 1-based): chrX:48,514,239, G>C. VCF-style: chrX-48514239-G-C. GRCh37 (hg19) VCF-style: chrX-48372627-G-C.
Other names: c.1044-1G>C (NM_001441333.1); c.1026-1G>C (NM_001441334.1); c.879-1G>C (NM_001441336.1); c.792-1G>C (NM_001441335.1); c.474-1G>C (NM_001282167.2); c.705-1G>C (NM_203473.3); c.687-1G>C (NM_022825.4); c.702-1G>C (NM_203474.1).
Identifiers: ClinVar variation 4720367 (VCV004720367.1).

ClinVar aggregate classification (germline): Likely pathogenic (1 of 4 stars; one submission).

Submission:

Labcorp Genetics (formerly Invitae), Labcorp
Classification: Likely pathogenic. Last evaluated: 2025-05-27. Review status: criteria provided, single submitter. Criteria: Invitae Variant Classification Sherloc (09022015). Collection method: clinical testing. Allele origin: germline.
Comment: This sequence change affects an acceptor splice site in intron 8 of the PORCN gene. It is expected to disrupt RNA splicing. Variants that disrupt the donor or acceptor splice site typically lead to a loss of protein function (PMID: 16199547), and loss-of-function variants in PORCN are known to be pathogenic (PMID: 17546030, 19309688). This variant is not present in population databases (gnomAD no frequency). Disruption of this splice site has been observed in individual(s) with Goltz-Gorlin syndrome (internal data). Algorithms developed to predict the effect of sequence changes on RNA splicing suggest that this variant may disrupt the consensus splice site. In summary, the currently available evidence indicates that the variant is pathogenic, but additional data are needed to prove that conclusively. Therefore, this variant has been classified as Likely Pathogenic.

Literature cited by the submitters: PubMed 16199547; PubMed 17546030; PubMed 19309688.